The following is an entry in ClinVar:

NM_001382430.1(AKT1):c.1246G>C (p.Val416Leu)

Gene: AKT1 (AKT serine/threonine kinase 1; minus strand). Cytogenetic location: 14q32.33.
Variant type: single nucleotide variant.
Coding change: c.1246G>C on transcript NM_001382430.1 (MANE Select); coding-DNA position 1246, G replaced by C.
Protein change: p.Val416Leu; replaces valine 416 with leucine.
Molecular consequence: missense variant.
Genome position (GRCh38, 1-based): chr14:104,772,379, C>G on the plus strand (G>C on the coding strand, the complement: AKT1 is on the minus strand). VCF-style: chr14-104772379-C-G. GRCh37 (hg19) VCF-style: chr14-105238716-C-G.
Other names: c.1246G>C, p.Val416Leu (NM_001014431.2, NM_001014432.2, NM_001382431.1 and 3 more transcripts); short protein forms V416L.
Identifiers: ClinVar variation 3850765 (VCV003850765.1).
Genomic context (GRCh38, chr14:104,772,379, plus strand): 5'-ATGTGGGGAGCATGCGTGCGCGTGAATATGCGGGGAGCAGCCGCACCTTCTTCTCGTACA[C>G]GTGCTGCCACACGATACCGGCAAAGAAGCGATGCTGCATGATCTCCTTGGCGTCCTCGGA-3'
Protein context (NP_001369359.1, residues 406-426): RFFAGIVWQH[Val416Leu]YEKKLSPPFK

ClinVar aggregate classification (germline): Uncertain significance (1 of 4 stars; one submission).

Conditions:
Inborn genetic diseases. Identifiers: MedGen C0950123, MeSH D030342.

Submission:

Ambry Genetics
Classification: Uncertain significance for Inborn genetic diseases. Last evaluated: 2025-01-18. Review status: criteria provided, single submitter. Criteria: Ambry Variant Classification Scheme 2023. Collection method: clinical testing. Allele origin: germline.
Comment: The p.V416L variant (also known as c.1246G>C), located in coding exon 11 of the AKT1 gene, results from a G to C substitution at nucleotide position 1246. The valine at codon 416 is replaced by leucine, an amino acid with highly similar properties. This amino acid position is conserved. In addition, this alteration is predicted to be tolerated by in silico analysis. Based on the available evidence, the clinical significance of this variant remains unclear.